The following is an entry in ClinVar:

ClinVar aggregate classification (germline): Uncertain significance (1 of 4 stars; one submission).

Allele frequency attached by ClinVar (database versions not stated): gnomAD 0.00001; ExAC 0.00002.

Submission:

Labcorp Genetics (formerly Invitae), Labcorp
Classification: Uncertain significance. Last evaluated: 2023-08-11. Review status: criteria provided, single submitter. Criteria: Invitae Variant Classification Sherloc (09022015). Collection method: clinical testing. Allele origin: germline.
Comment: Advanced modeling of protein sequence and biophysical properties (such as structural, functional, and spatial information, amino acid conservation, physicochemical variation, residue mobility, and thermodynamic stability) performed at Invitae indicates that this missense variant is not expected to disrupt KIF22 protein function. In summary, the available evidence is currently insufficient to determine the role of this variant in disease. Therefore, it has been classified as a Variant of Uncertain Significance. Algorithms developed to predict the effect of sequence changes on RNA splicing suggest that this variant may create or strengthen a splice site. This variant has not been reported in the literature in individuals affected with KIF22-related conditions. This variant is present in population databases (rs754568510, gnomAD 0.009%). This sequence change replaces leucine, which is neutral and non-polar, with phenylalanine, which is neutral and non-polar, at codon 394 of the KIF22 protein (p.Leu394Phe).

NM_007317.3(KIF22):c.1180C>T (p.Leu394Phe)

Gene: KIF22 (kinesin family member 22; plus strand). Cytogenetic location: 16p11.2.
Variant type: single nucleotide variant.
Coding change: c.1180C>T on transcript NM_007317.3 (MANE Select); coding-DNA position 1180, C replaced by T.
Protein change: p.Leu394Phe; replaces leucine 394 with phenylalanine.
Molecular consequence: missense variant.
Genome position (GRCh38, 1-based): chr16:29,799,948, C>T. VCF-style: chr16-29799948-C-T. GRCh37 (hg19) VCF-style: chr16-29811269-C-T.
Other names: c.976C>T, p.Leu326Phe (NM_001256269.2, NM_001256270.1); short protein forms L326F, L394F.
Identifiers: ClinVar variation 2865309 (VCV002865309.3), dbSNP rs754568510, ClinGen allele CA7993199.
Genomic context (GRCh38, chr16:29,799,948, plus strand): 5'-TCCACCCCATCCTCCAATCATCTAGCCTTGGGACCTGTTAAGCTGTCTCAGAAAGAATTG[C>T]TTGGTCCACCAGAGGCAAAGAGAGCCCGAGGCCCTGAGGAAGAGGAGATCGGGAGCCCTG-3'
Protein context (NP_015556.1, residues 384-404): GPVKLSQKEL[Leu394Phe]GPPEAKRARG